The following is an entry in ClinVar:

ClinVar aggregate classification (germline): Likely benign. Review status: criteria provided, single submitter (1 of 4 stars). 2 submissions from 2 submitters: Likely benign (1). 1 of the submissions does not count toward it. Last evaluated 2021-05-11.

Conditions:
PHF6-related disorder. Also called: PHF6-related condition.

gnomAD v4.1: 16 of 1,196,140 alleles (0.0013%); highest among the groups gnomAD compares: Non-Finnish European, 0.0018%; no homozygotes.

Submissions (2):

Blueprint Genetics
Classification: Likely benign. Last evaluated: 2021-05-11. Review status: criteria provided, single submitter. Criteria: ACMG Guidelines, 2015. Collection method: clinical testing. Allele origin: germline.

PreventionGenetics, part of Exact Sciences
Classification: Likely benign for PHF6-related condition. Last evaluated: 2022-07-07. Review status: no assertion criteria provided. Collection method: clinical testing. Allele origin: germline. Not counted in ClinVar's aggregate classification.
Comment: This variant is classified as likely benign based on ACMG/AMP sequence variant interpretation guidelines (Richards et al. 2015 PMID: 25741868, with internal and published modifications).

NM_001015877.2(PHF6):c.834+96A>G

Gene: PHF6 (PHD finger protein 6; plus strand). Cytogenetic location: Xq26.2.
Variant type: single nucleotide variant.
Coding change: c.834+96A>G on transcript NM_001015877.2 (MANE Select); 96 bases into the intron after coding-DNA position 834, A replaced by G.
Molecular consequence: intron variant. On other transcripts: synonymous variant (1).
Genome position (GRCh38, 1-based): chrX:134,415,216, A>G. VCF-style: chrX-134415216-A-G. GRCh37 (hg19) VCF-style: chrX-133549246-A-G.
Other names: c.933A>G, p.Leu311= (NM_032335.3); c.834+96A>G (NM_032458.3).
Identifiers: ClinVar variation 3354357 (VCV003354357.2).
Genomic context (GRCh38, chrX:134,415,216, plus strand): 5'-CTTGATTTGCTGCTTTAAATTTAGAGTACATCCCAAATTTATCCAGTCATCAGAAAATTT[A>G]AAGTAGTTCGTATGTTAAAGCAAAGTATATATTTGACTTATTTGTAATATAATAAAGGAT-3'